The following is an entry in ClinVar:

NM_004104.5(FASN):c.7261C>T (p.Arg2421Trp)

Genes: FASN (fatty acid synthase; minus strand), LOC129390948 (MPRA-validated peak3028 silencer; plus strand). Cytogenetic location: 17q25.3.
Variant type: single nucleotide variant.
Coding change: c.7261C>T on transcript NM_004104.5 (MANE Select); coding-DNA position 7261, C replaced by T.
Protein change: p.Arg2421Trp; replaces arginine 2421 with tryptophan.
Molecular consequence: missense variant.
Genome position (GRCh38, 1-based): chr17:82,079,494, G>A on the plus strand (C>T on the coding strand, the complement: FASN is on the minus strand). VCF-style: chr17-82079494-G-A. GRCh37 (hg19) VCF-style: chr17-80037370-G-A.
Other names: short protein forms R2421W.
Identifiers: ClinVar variation 945411 (VCV000945411.8), dbSNP rs767492248, ClinGen allele CA8851055.

ClinVar aggregate classification (germline): Uncertain significance. Review status: criteria provided, multiple submitters, no conflicts (2 of 4 stars). 2 submissions from 2 submitters: Uncertain significance (2). Last evaluated 2024-10-01.

Conditions:
Epileptic encephalopathy. Identifiers: MedGen C0543888, HP:0200134.

Allele frequency attached by ClinVar (database versions not stated): gnomAD 0.00001; gnomAD exomes 0.00001; ExAC 0.00002; TOPMed 0.00005.
gnomAD v4.1: 34 of 1,612,462 alleles (0.0021%); highest among the groups gnomAD compares: East Asian, 0.0045%; no homozygotes.

Submissions (2):

Ambry Genetics
Classification: Uncertain significance. Last evaluated: 2024-10-01. Review status: criteria provided, single submitter. Criteria: Ambry Variant Classification Scheme 2023. Collection method: clinical testing. Allele origin: germline.

Labcorp Genetics (formerly Invitae), Labcorp
Classification: Uncertain significance for Epileptic encephalopathy. Last evaluated: 2021-08-28. Review status: criteria provided, single submitter. Criteria: Invitae Variant Classification Sherloc (09022015). Collection method: clinical testing. Allele origin: germline.
Comment: This sequence change replaces arginine with tryptophan at codon 2421 of the FASN protein (p.Arg2421Trp). The arginine residue is weakly conserved and there is a moderate physicochemical difference between arginine and tryptophan. This variant is present in population databases (rs767492248, ExAC 0.01%). This variant has not been reported in the literature in individuals affected with FASN-related conditions. Algorithms developed to predict the effect of missense changes on protein structure and function are either unavailable or do not agree on the potential impact of this missense change (SIFT: "Deleterious"; PolyPhen-2: "Possibly Damaging"; Align-GVGD: "Class C0"). In summary, the available evidence is currently insufficient to determine the role of this variant in disease. Therefore, it has been classified as a Variant of Uncertain Significance.